The following is an entry in ClinVar:

ClinVar aggregate classification (germline): Uncertain significance (1 of 4 stars; one submission).

Conditions:
Emery-Dreifuss muscular dystrophy 4, autosomal dominant (EDMD4). Also called: EMERY-DREIFUSS MUSCULAR DYSTROPHY 4 WITH VARIABLE FEATURES. Identifiers: Orphanet 261, MedGen C2751807, MONDO:0013071, OMIM 612998.
Autosomal recessive ataxia, Beauce type. Also called: SYNE1-Related Autosomal Recessive Cerebellar Ataxia; Spinocerebellar ataxia, autosomal recessive 8; ATAXIA, RECESSIVE, OF BEAUCE; SYNE1 Deficiency. Identifiers: Orphanet 88644, MedGen C1853116, MONDO:0012549, OMIM 610743.

Allele frequency attached by ClinVar (database versions not stated): gnomAD exomes 0.00001 and 0.00006; ExAC 0.00004; ESP Exome Variant Server 0.00008; gnomAD 0.00015 and 0.00016; TOPMed 0.00017.
gnomAD v4.1: 38 of 1,613,396 alleles (0.0024%); highest among the groups gnomAD compares: African/African-American, 0.049%; no homozygotes.

Submission:

Labcorp Genetics (formerly Invitae), Labcorp
Classification: Uncertain significance for Emery-Dreifuss muscular dystrophy 4, autosomal dominant; Autosomal recessive ataxia, Beauce type. Last evaluated: 2024-03-04. Review status: criteria provided, single submitter. Criteria: Invitae Variant Classification Sherloc (09022015). Collection method: clinical testing. Allele origin: germline.
Comment: This sequence change falls in intron 74 of the SYNE1 gene. It does not directly change the encoded amino acid sequence of the SYNE1 protein. It affects a nucleotide within the consensus splice site. This variant is present in population databases (rs375086691, gnomAD 0.08%). This variant has not been reported in the literature in individuals affected with SYNE1-related conditions. ClinVar contains an entry for this variant (Variation ID: 470993). Variants that disrupt the consensus splice site are a relatively common cause of aberrant splicing (PMID: 17576681, 9536098). Algorithms developed to predict the effect of sequence changes on RNA splicing suggest that this variant is not likely to affect RNA splicing. In summary, the available evidence is currently insufficient to determine the role of this variant in disease. Therefore, it has been classified as a Variant of Uncertain Significance.

Literature cited by the submitters: PubMed 17576681; PubMed 9536098.

NM_182961.4(SYNE1):c.12351+4A>C

Gene: SYNE1 (spectrin repeat containing nuclear envelope protein 1; minus strand). Cytogenetic location: 6q25.2.
Variant type: single nucleotide variant.
Coding change: c.12351+4A>C on transcript NM_182961.4 (MANE Select); 4 bases into the intron after coding-DNA position 12351, A replaced by C.
Molecular consequence: intron variant.
Genome position (GRCh38, 1-based): chr6:152,339,237, T>G on the plus strand (A>C on the coding strand, the complement: SYNE1 is on the minus strand). VCF-style: chr6-152339237-T-G. GRCh37 (hg19) VCF-style: chr6-152660372-T-G.
Other names: c.12138+4A>C (NM_033071.5).
Identifiers: ClinVar variation 470993 (VCV000470993.6), dbSNP rs375086691, ClinGen allele CA4056434.
Genomic context (GRCh38, chr6:152,339,237, plus strand): 5'-GAAACATTCAAGCAAGAGAATATAATAAAACAAACAAATTCAATGTGATTTTTCATTTTC[T>G]TACCGTTTGCTCTGTTTGTTGAATGTCTTTTGCTGTGGTTTTCACCGAAGCATTTGACAG-3'